The following is an entry in ClinVar:

ClinVar aggregate classification (germline): Uncertain significance (1 of 4 stars; one submission).

Conditions:
Hereditary cancer-predisposing syndrome. Also called: Neoplastic Syndromes, Hereditary; Tumor predisposition; Hereditary Cancer Syndrome; Hereditary neoplastic syndrome. Identifiers: Orphanet 140162, MedGen C0027672, MeSH D009386, MONDO:0015356.

Submission:

Ambry Genetics
Classification: Uncertain significance for Hereditary cancer-predisposing syndrome. Last evaluated: 2026-01-09. Review status: criteria provided, single submitter. Criteria: Ambry Variant Classification Scheme 2023. Collection method: clinical testing. Allele origin: germline.
Comment: The p.R114G variant (also known as c.340A>G), located in coding exon 3 of the XRCC2 gene, results from an A to G substitution at nucleotide position 340. The arginine at codon 114 is replaced by glycine, an amino acid with dissimilar properties. This amino acid position is conserved. In addition, this alteration is predicted to be deleterious by in silico analysis. Based on the available evidence, the clinical significance of this variant remains unclear.

NM_005431.2(XRCC2):c.340A>G (p.Arg114Gly)

Gene: XRCC2 (X-ray repair cross complementing 2; minus strand). Cytogenetic location: 7q36.1.
Variant type: single nucleotide variant.
Coding change: c.340A>G on transcript NM_005431.2 (MANE Select); coding-DNA position 340, A replaced by G.
Protein change: p.Arg114Gly; replaces arginine 114 with glycine.
Molecular consequence: missense variant.
Genome position (GRCh38, 1-based): chr7:152,649,145, T>C on the plus strand (A>G on the coding strand, the complement: XRCC2 is on the minus strand). VCF-style: chr7-152649145-T-C. GRCh37 (hg19) VCF-style: chr7-152346230-T-C.
Other names: short protein forms R114G.
Identifiers: ClinVar variation 4841423 (VCV004841423.1).
Genomic context (GRCh38, chr7:152,649,145, plus strand): 5'-CTAGTGAGTAAAGTGTAAGAAGTAAGTGGGTGCTACTACTGCAGTACACCAAAAAAAATC[T>C]TCCCAGGCAGTATTTGATTATTTCTTCAGAGCTTTGGGATAGTCTGTGCTCAAGAATTGT-3'
Protein context (NP_005422.1, residues 104-124): SEEIIKYCLG[Arg114Gly]FFLVYCSSST